The following is an entry in ClinVar:

ClinVar aggregate classification (germline): Uncertain significance. Review status: reviewed by expert panel (3 of 4 stars). 2 submissions from 2 submitters: Uncertain significance (1). 1 of the submissions does not count toward it. Last evaluated 2024-08-01.

Conditions:
Hereditary thrombocytopenia and hematological cancer predisposition syndrome associated with RUNX1. Also called: Familial Platelet Disorder with Propensity to Acute Myelogenous Leukemia; Familial thrombocytopenia with propensity to acute myelogenous leukemia; PLATELET DISORDER, ASPIRIN-LIKE; RUNX1 Familial Platelet Disorder with Associated Myeloid Malignancies. Identifiers: Orphanet 71290, MedGen C1832388, MeSH C563324, MONDO:0100083, OMIM 601399.
Hereditary thrombocytopenia and hematologic cancer predisposition syndrome. Identifiers: Orphanet 71290, MedGen CN281654, MONDO:0011071.

gnomAD v4.1: 2 of 1,588,248 alleles (0.00013%); highest among the groups gnomAD compares: Non-Finnish European, 0.00017%; no homozygotes.

Submissions (2):

ClinGen Myeloid Malignancy Variant Curation Expert Panel
Classification: Uncertain significance for Hereditary thrombocytopenia and hematologic cancer predisposition syndrome. Last evaluated: 2024-08-01. Review status: reviewed by expert panel. Criteria: ClinGen MyeloMalig ACMG Specifications v2. Collection method: curation. Allele origin: germline. Inheritance: Autosomal dominant inheritance.
Comment: NM_001754.5(RUNX1):c.1099G>C (p.Gly367Arg) is a missense variant which is completely absent from all population databases (gnomAD v2.1.1 and v3.1.2) with at least 20x coverage for RUNX1 (PM2_supporting). It has a REVEL score of 0.707, which does not allow applying either PP3 (>0.88) or BP4 (<0.50). Additionally, there is no previous report of this variant. In summary, the clinical significance of this variant is uncertain. ACMG/AMP criteria applied, as specified by the Myeloid Malignancy Variant Curation Expert Panel for RUNX1: PM2_supporting.

Labcorp Genetics (formerly Invitae), Labcorp
Classification: Uncertain significance for Hereditary thrombocytopenia and hematological cancer predisposition syndrome associated with RUNX1. Last evaluated: 2025-10-09. Review status: criteria provided, single submitter. Criteria: Invitae Variant Classification Sherloc (09022015). Collection method: clinical testing. Allele origin: germline. Not counted in ClinVar's aggregate classification.
Comment: This sequence change replaces glycine, which is neutral and non-polar, with arginine, which is basic and polar, at codon 367 of the RUNX1 protein (p.Gly367Arg). This variant is not present in population databases (gnomAD no frequency). This variant has not been reported in the literature in individuals affected with RUNX1-related conditions. ClinVar contains an entry for this variant (Variation ID: 2126320). Invitae Evidence Modeling of protein sequence and biophysical properties (such as structural, functional, and spatial information, amino acid conservation, physicochemical variation, residue mobility, and thermodynamic stability) has been performed for this missense variant. However, the output from this modeling did not meet the statistical confidence thresholds required to predict the impact of this variant on RUNX1 protein function. In summary, the available evidence is currently insufficient to determine the role of this variant in disease. Therefore, it has been classified as a Variant of Uncertain Significance.

NM_001754.5(RUNX1):c.1099G>C (p.Gly367Arg)

Gene: RUNX1 (RUNX family transcription factor 1; minus strand). Cytogenetic location: 21q22.12.
Variant type: single nucleotide variant.
Coding change: c.1099G>C on transcript NM_001754.5 (MANE Select); coding-DNA position 1099, G replaced by C.
Protein change: p.Gly367Arg; replaces glycine 367 with arginine.
Molecular consequence: missense variant.
Genome position (GRCh38, 1-based): chr21:34,792,479, C>G on the plus strand (G>C on the coding strand, the complement: RUNX1 is on the minus strand). VCF-style: chr21-34792479-C-G. GRCh37 (hg19) VCF-style: chr21-36164776-C-G.
Other names: NM_001754.5(RUNX1):c.1099G>C; p.Gly367Arg; c.1018G>C, p.Gly340Arg (NM_001001890.3); short protein forms G340R, G367R.
Identifiers: ClinVar variation 2126320 (VCV002126320.5), dbSNP rs2145876825, ClinGen allele CA410148133.